The following is an entry in ClinVar:

ClinVar aggregate classification (germline): Conflicting classifications of pathogenicity. Review status: criteria provided, conflicting classifications (1 of 4 stars). 4 submissions from 2 submitters: Uncertain significance (2); Likely benign (2). Last evaluated 2024-11-08.

Conditions:
Retinitis pigmentosa (RP). Identifiers: Orphanet 791, MedGen C0035334, MeSH D012174, MONDO:0019200, OMIM 268000. Inheritance: Autosomal dominant, autosomal recessive and X linked inheritance.
Leber congenital amaurosis 7 (LCA7). Identifiers: Orphanet 65, MedGen C3151192, MONDO:0013449, OMIM 613829.
Cone-rod dystrophy 2 (CORD2). Also called: CONE-ROD RETINAL DYSTROPHY; Cone-rod retinal dystrophy 2. Identifiers: Orphanet 1872, MedGen C3489532, MONDO:0007362, OMIM 120970.

Allele frequency attached by ClinVar (database versions not stated): gnomAD exomes 0.00002 and 0.00009; gnomAD 0.00005 and 0.00006; ExAC 0.00008; ESP Exome Variant Server 0.00008; TOPMed 0.00013.
gnomAD v4.1: 56 of 1,611,694 alleles (0.0035%); highest among the groups gnomAD compares: East Asian, 0.058%; no homozygotes.

Submissions (4):

Blueprint Genetics
Classification: Likely benign. Last evaluated: 2024-11-08. Review status: criteria provided, single submitter. Criteria: ACMG Guidelines, 2015. Collection method: clinical testing. Allele origin: germline.

Illumina Laboratory Services, Illumina
Classification: Uncertain significance for Leber congenital amaurosis 7. Last evaluated: 2018-01-13. Review status: criteria provided, single submitter. Criteria: ICSL Variant Classification Criteria 13 December 2019. Collection method: clinical testing. Allele origin: germline.

Illumina Laboratory Services, Illumina
Classification: Uncertain significance for Retinitis pigmentosa. Last evaluated: 2018-01-13. Review status: criteria provided, single submitter. Criteria: ICSL Variant Classification Criteria 13 December 2019. Collection method: clinical testing. Allele origin: germline.

Illumina Laboratory Services, Illumina
Classification: Likely benign for Cone-rod dystrophy 2. Last evaluated: 2018-01-13. Review status: criteria provided, single submitter. Criteria: ICSL Variant Classification Criteria 13 December 2019. Collection method: clinical testing. Allele origin: germline.
Comment: This variant was observed in the ICSL laboratory as part of a predisposition screen in an ostensibly healthy population. It had not been previously curated by ICSL or reported in the Human Gene Mutation Database (HGMD: prior to June 1st, 2018), and was therefore a candidate for classification through an automated scoring system. Utilizing variant allele frequency, disease prevalence and penetrance estimates, and inheritance mode, an automated score was calculated to assess if this variant is too frequent to cause the disease. Based on the score and internal cut-off values, a variant classified as likely benign is not then subjected to further curation. The score for this variant resulted in a classification of likely benign for this disease.

NM_000554.6(CRX):c.*16T>C

Gene: CRX (cone-rod homeobox; plus strand). Cytogenetic location: 19q13.33.
Variant type: single nucleotide variant.
Coding change: c.*16T>C on transcript NM_000554.6 (MANE Select); 16 bases downstream of the stop codon, T replaced by C.
Molecular consequence: 3 prime UTR variant.
Genome position (GRCh38, 1-based): chr19:47,839,983, T>C. VCF-style: chr19-47839983-T-C. GRCh37 (hg19) VCF-style: chr19-48343240-T-C.
Identifiers: ClinVar variation 893767 (VCV000893767.5), dbSNP rs371964860, ClinGen allele CA9544594.
Genomic context (GRCh38, chr19:47,839,983, plus strand): 5'-CTGGACTACAAGGATCAGAGTGCCTGGAAGTTTCAGATCTTGTAGAGGACGCAGTCTCCA[T>C]CTCTCTCCATCGGGCCTCGGGACCCTTTCTCTTCTGAATCTGCTTCCCTGCAGTTTAGAT-3'